The following is an entry in ClinVar:

NM_004415.4(DSP):c.1492C>G (p.Pro498Ala)

Gene: DSP (desmoplakin; plus strand). Cytogenetic location: 6p24.3.
Variant type: single nucleotide variant.
Coding change: c.1492C>G on transcript NM_004415.4 (MANE Select); coding-DNA position 1492, C replaced by G.
Protein change: p.Pro498Ala; replaces proline 498 with alanine.
Molecular consequence: missense variant.
Genome position (GRCh38, 1-based): chr6:7,569,258, C>G. VCF-style: chr6-7569258-C-G. GRCh37 (hg19) VCF-style: chr6-7569491-C-G.
Other names: c.1492C>G (LRG_423t1); c.1492C>G, p.Pro498Ala (NM_001008844.3, NM_001319034.2); short protein forms P498A.
Identifiers: ClinVar variation 640283 (VCV000640283.21), dbSNP rs1581803474, ClinGen allele CA362677610.

ClinVar aggregate classification (germline): Uncertain significance. Review status: criteria provided, multiple submitters, no conflicts (2 of 4 stars). 5 submissions from 5 submitters: Uncertain significance (5). Last evaluated 2024-12-20.

Conditions:
Cardiomyopathy (CMYO). Also called: Cardiomyopathies. Identifiers: Orphanet 167848, MedGen C0878544, MONDO:0004994, HP:0001638. Inheritance: Various modes of inheritance.
Cardiovascular phenotype. Identifiers: MedGen CN230736.
Arrhythmogenic right ventricular dysplasia 8 (ARVD8). Also called: Arrhythmogenic Right Ventricular Dysplasia/Cardiomyopathy 8; ARRHYTHMOGENIC RIGHT VENTRICULAR DYSPLASIA, FAMILIAL, 8; ARRHYTHMOGENIC RIGHT VENTRICULAR CARDIOMYOPATHY 8. Identifiers: MedGen C1843896, MONDO:0011831, OMIM 607450.
Arrhythmogenic cardiomyopathy with wooly hair and keratoderma. Also called: Arrhythmogenic cardiomyopathy with woolly hair and keratoderma; PALMOPLANTAR KERATODERMA WITH LEFT VENTRICULAR CARDIOMYOPATHY AND WOOLLY HAIR; Carvajal syndrome; Dilated cardiomyopathy with woolly hair and keratoderma. Identifiers: Orphanet 65282, MedGen C1854063, MONDO:0011581, OMIM 605676.

gnomAD v4.1: 20 of 1,614,174 alleles (0.0012%); highest among the groups gnomAD compares: Non-Finnish European, 0.0017%; no homozygotes.

Submissions (5):

Ambry Genetics
Classification: Uncertain significance for Cardiovascular phenotype. Last evaluated: 2024-12-20. Review status: criteria provided, single submitter. Criteria: Ambry Variant Classification Scheme 2023. Collection method: clinical testing. Allele origin: germline.
Comment: The p.P498A variant (also known as c.1492C>G), located in coding exon 12 of the DSP gene, results from a C to G substitution at nucleotide position 1492. The proline at codon 498 is replaced by alanine, an amino acid with highly similar properties. This amino acid position is highly conserved in available vertebrate species. In addition, the in silico prediction for this alteration is inconclusive. Since supporting evidence is limited at this time, the clinical significance of this alteration remains unclear.

All of Us Research Program, National Institutes of Health
Classification: Uncertain significance for Arrhythmogenic cardiomyopathy with wooly hair and keratoderma. Last evaluated: 2024-09-23. Review status: criteria provided, single submitter. Criteria: ACMG Guidelines, 2015. Collection method: clinical testing. Allele origin: germline. Inheritance: Autosomal dominant inheritance. Observed: 7 variant alleles, 7 heterozygotes.
Comment: This missense variant replaces proline with alanine at codon 498 of the DSP protein. Computational prediction suggests that this variant may not impact protein structure and function (internally defined REVEL score threshold <= 0.5, PMID: 27666373). To our knowledge, functional studies have not been reported for this variant. This variant has not been reported in individuals affected with DSP-related disorders in the literature. This variant has not been identified in the general population by the Genome Aggregation Database (gnomAD). The available evidence is insufficient to determine the role of this variant in disease conclusively. Therefore, this variant is classified as a Variant of Uncertain Significance.

This study involves interpretation of variants in research participants for the purpose of population health screening. Participant phenotype was not available at the time of variant classification. Additional details can be found in publication PMID: 35346344, PMCID: PMC8962531

Color Diagnostics, LLC DBA Color Health
Classification: Uncertain significance for Cardiomyopathy. Last evaluated: 2024-07-16. Review status: criteria provided, single submitter. Criteria: ACMG Guidelines, 2015. Collection method: clinical testing. Allele origin: germline.
Comment: This missense variant replaces proline with alanine at codon 498 of the DSP protein. Computational prediction suggests that this variant may not impact protein structure and function (internally defined REVEL score threshold <= 0.5, PMID: 27666373). To our knowledge, functional studies have not been reported for this variant. This variant has not been reported in individuals affected with DSP-related disorders in the literature. This variant has not been identified in the general population by the Genome Aggregation Database (gnomAD). The available evidence is insufficient to determine the role of this variant in disease conclusively. Therefore, this variant is classified as a Variant of Uncertain Significance.

Labcorp Genetics (formerly Invitae), Labcorp
Classification: Uncertain significance for Arrhythmogenic cardiomyopathy with wooly hair and keratoderma; Arrhythmogenic right ventricular dysplasia 8. Last evaluated: 2022-07-31. Review status: criteria provided, single submitter. Criteria: Invitae Variant Classification Sherloc (09022015). Collection method: clinical testing. Allele origin: germline.
Comment: In summary, the available evidence is currently insufficient to determine the role of this variant in disease. Therefore, it has been classified as a Variant of Uncertain Significance. Algorithms developed to predict the effect of missense changes on protein structure and function are either unavailable or do not agree on the potential impact of this missense change (SIFT: "Deleterious"; PolyPhen-2: "Probably Damaging"; Align-GVGD: "Class C0"). ClinVar contains an entry for this variant (Variation ID: 640283). This variant has not been reported in the literature in individuals affected with DSP-related conditions. This variant is not present in population databases (gnomAD no frequency). This sequence change replaces proline, which is neutral and non-polar, with alanine, which is neutral and non-polar, at codon 498 of the DSP protein (p.Pro498Ala).

GeneDx
Classification: Uncertain significance. Last evaluated: 2020-07-23. Review status: criteria provided, single submitter. Criteria: GeneDx Variant Classification Process June 2021. Collection method: clinical testing. Allele origin: germline. Affected: yes.
Comment: Not observed in large population cohorts (Lek et al., 2016); In silico analysis supports that this missense variant has a deleterious effect on protein structure/function; Has not been previously published as pathogenic or benign to our knowledge; Reported in ClinVar as a variant of uncertain significance (ClinVar Variant ID# 640283; Landrum et al., 2016)